The following is an entry in ClinVar:

NM_002016.2(FLG):c.6848G>C (p.Arg2283Thr)

Genes: CCDST (cervical cancer associated DHX9 suppressive transcript; plus strand), FLG (filaggrin; minus strand). Cytogenetic location: 1q21.3.
Variant type: single nucleotide variant.
Coding change: c.6848G>C on transcript NM_002016.2 (MANE Select); coding-DNA position 6848, G replaced by C.
Protein change: p.Arg2283Thr; replaces arginine 2283 with threonine.
Molecular consequence: missense variant.
Genome position (GRCh38, 1-based): chr1:152,308,038, C>G on the plus strand (G>C on the coding strand, the complement: FLG is on the minus strand). VCF-style: chr1-152308038-C-G. GRCh37 (hg19) VCF-style: chr1-152280514-C-G.
Other names: short protein forms R2283T.
Identifiers: ClinVar variation 2639275 (VCV002639275.24), dbSNP rs137909957, ClinGen allele CA1105013.
Genomic context (GRCh38, chr1:152,308,038, plus strand): 5'-CCTGATTGTCTGGAGCTCTCTGCAGAGTGCCCATGACCGGCTCTGTCTTCGTGATGGGAC[C>G]TGGGGTGTCTGGAGCCATCTCTTGACTGCTCCTGAGCAGATCCATGATGGTTTCTGGACG-3'
Protein context (NP_002007.1, residues 2273-2293): EQSRDGSRHP[Arg2283Thr]SHHEDRAGHG

ClinVar aggregate classification (germline): Likely benign (1 of 4 stars; one submission).

Allele frequency attached by ClinVar (database versions not stated): 1000 Genomes Project 30x 0.00016; 1000 Genomes Project 0.00020; gnomAD 0.00120; TOPMed 0.00121; ExAC 0.00152; ESP Exome Variant Server 0.00154.
gnomAD v4.1: 1,676 of 1,614,166 alleles (0.1%); highest among the groups gnomAD compares: Middle Eastern, 0.049%; 21 homozygotes.

Submission:

CeGaT Center for Human Genetics Tuebingen
Classification: Likely benign. Last evaluated: 2023-11-01. Review status: criteria provided, single submitter. Criteria: CeGaT Center For Human Genetics Tuebingen Variant Classification Criteria Version 2. Collection method: clinical testing. Allele origin: germline. Affected: yes. Observed: 3 variant alleles.
Comment: FLG: BP4